The following is an entry in ClinVar:

NM_004036.5(ADCY3):c.1533G>A (p.Ser511=)

Gene: ADCY3 (adenylate cyclase 3; minus strand). Cytogenetic location: 2p23.3.
Variant type: single nucleotide variant.
Coding change: c.1533G>A on transcript NM_004036.5 (MANE Select); coding-DNA position 1533, G replaced by A.
Protein change: p.Ser511=; no amino-acid change (serine 511 retained).
Molecular consequence: synonymous variant.
Genome position (GRCh38, 1-based): chr2:24,838,445, C>T on the plus strand (G>A on the coding strand, the complement: ADCY3 is on the minus strand). VCF-style: chr2-24838445-C-T. GRCh37 (hg19) VCF-style: chr2-25061314-C-T.
Other names: c.1533G>A, p.Ser511= (NM_001320613.2, NM_001377129.1, NM_001377130.1 and 1 more transcripts); c.1599G>A, p.Ser533= (NM_001377128.1); c.810G>A, p.Ser270= (NM_001377131.1).
Identifiers: ClinVar variation 3034110 (VCV003034110.3), dbSNP rs771095823, ClinGen allele CA1554110.

ClinVar aggregate classification (germline): Uncertain significance (1 of 4 stars; one submission).

Conditions:
ADCY3-related disorder. Also called: ADCY3-related condition.

Allele frequency attached by ClinVar (database versions not stated): TOPMed 0.00004; ExAC 0.00011.
gnomAD v4.1: 52 of 1,611,398 alleles (0.0032%); highest among the groups gnomAD compares: Admixed American, 0.032%; 1 homozygote.

Submission:

PreventionGenetics, part of Exact Sciences
Classification: Uncertain significance for ADCY3-related condition. Last evaluated: 2025-12-22. Review status: criteria provided, single submitter. Criteria: ACMG Guidelines, 2015. Collection method: clinical testing. Allele origin: germline.
Comment: The ADCY3 c.1533G>A variant is not predicted to result in an amino acid change (p.=). This variant is located at the last nucleotide of an exon and is predicted to impact splicing based on available prediction algorithms (SpliceAI, Jaganathan et al. 2019. PubMed ID: 30661751). However, such predictions are not equivalent to functional evidence. To our knowledge, this variant has not been reported in the literature. At this time, the clinical significance of this variant is uncertain due to the absence of conclusive functional and genetic evidence.